The following is an entry in ClinVar:

ClinVar aggregate classification (germline): Likely benign (1 of 4 stars; one submission).

Allele frequency attached by ClinVar (database versions not stated): gnomAD exomes 0.00008; ExAC 0.00045; gnomAD 0.00067; ESP Exome Variant Server 0.00076; TOPMed 0.00077; 1000 Genomes Project 30x 0.00104; 1000 Genomes Project 0.00132.
gnomAD v4.1: 165 of 1,182,442 alleles (0.014%); highest among the groups gnomAD compares: African/African-American, 0.25%; no homozygotes.

Submission:

CeGaT Center for Human Genetics Tuebingen
Classification: Likely benign. Last evaluated: 2022-04-01. Review status: criteria provided, single submitter. Criteria: CeGaT Center For Human Genetics Tuebingen Variant Classification Criteria Version 2. Collection method: clinical testing. Allele origin: germline. Affected: yes. Observed: 1 variant allele.
Comment: ZMYM3: BP4, BS2

NM_201599.3(ZMYM3):c.779-3C>T

Gene: ZMYM3 (zinc finger MYM-type containing 3; minus strand). Cytogenetic location: Xq13.1.
Variant type: single nucleotide variant.
Coding change: c.779-3C>T on transcript NM_201599.3 (MANE Select); 3 bases into the intron before coding-DNA position 779, C replaced by T.
Molecular consequence: intron variant.
Genome position (GRCh38, 1-based): chrX:71,250,729, G>A on the plus strand (C>T on the coding strand, the complement: ZMYM3 is on the minus strand). VCF-style: chrX-71250729-G-A. GRCh37 (hg19) VCF-style: chrX-70470579-G-A.
Other names: c.779-3C>T (NM_001171162.1, NM_005096.3, NM_001171163.1).
Identifiers: ClinVar variation 2660867 (VCV002660867.24), dbSNP rs191260406, ClinGen allele CA10445875.